The following is an entry in ClinVar:

NM_001754.5(RUNX1):c.798G>A (p.Gln266=)

Gene: RUNX1 (RUNX family transcription factor 1; minus strand). Cytogenetic location: 21q22.12.
Variant type: single nucleotide variant.
Coding change: c.798G>A on transcript NM_001754.5 (MANE Select); coding-DNA position 798, G replaced by A.
Protein change: p.Gln266=; no amino-acid change (glutamine 266 retained).
Molecular consequence: synonymous variant.
Genome position (GRCh38, 1-based): chr21:34,834,417, C>T on the plus strand (G>A on the coding strand, the complement: RUNX1 is on the minus strand). VCF-style: chr21-34834417-C-T. GRCh37 (hg19) VCF-style: chr21-36206714-C-T.
Other names: NM_001754.5(RUNX1):c.798G>A; p.Gln266=; c.717G>A, p.Gln239= (NM_001001890.3, NM_001122607.2).
Identifiers: ClinVar variation 1088939 (VCV001088939.12), dbSNP rs2146074496, ClinGen allele CA512318555.

ClinVar aggregate classification (germline): Likely benign. Review status: reviewed by expert panel (3 of 4 stars). 2 submissions from 2 submitters: Likely benign (1). 1 of the submissions does not count toward it. Last evaluated 2026-04-29.

Conditions:
Hereditary thrombocytopenia and hematologic cancer predisposition syndrome. Identifiers: Orphanet 71290, MedGen CN281654, MONDO:0011071.
Hereditary thrombocytopenia and hematological cancer predisposition syndrome associated with RUNX1. Also called: PLATELET DISORDER, ASPIRIN-LIKE; RUNX1 Familial Platelet Disorder with Associated Myeloid Malignancies; Familial Platelet Disorder with Propensity to Acute Myelogenous Leukemia; Familial thrombocytopenia with propensity to acute myelogenous leukemia. Identifiers: Orphanet 71290, MedGen C1832388, MeSH C563324, MONDO:0100083, OMIM 601399.

Submissions (2):

ClinGen Myeloid Malignancy Variant Curation Expert Panel
Classification: Likely benign for Hereditary thrombocytopenia and hematologic cancer predisposition syndrome. Last evaluated: 2026-04-29. Review status: reviewed by expert panel. Criteria: ClinGen MyeloMalig ACMG Specifications V3.1. Collection method: curation. Allele origin: germline. Inheritance: Autosomal dominant inheritance.
Comment: NM_001754.5(RUNX1):c.798G>A (p.Gln266=) is a synonymous variant which has a SpliceAI score ≤ 0.20 (0.01) (BP4, BP7). This variant is completely absent from all population databases with at least 20x coverage for RUNX1 (PM2_supporting). In summary, this variant meets criteria to be classified as likely benign. ACMG/AMP criteria applied, as specified by the Myeloid Malignancy Variant Curation Expert Panel for RUNX1: BP4, BP7, PM2_supporting.

Labcorp Genetics (formerly Invitae), Labcorp
Classification: Likely benign for Hereditary thrombocytopenia and hematological cancer predisposition syndrome associated with RUNX1. Last evaluated: 2019-12-30. Review status: criteria provided, single submitter. Criteria: Invitae Variant Classification Sherloc (09022015). Collection method: clinical testing. Allele origin: germline. Not counted in ClinVar's aggregate classification.